The following is an entry in ClinVar:

NM_000478.6(ALPL):c.1024G>A (p.Glu342Lys)

Gene: ALPL (alkaline phosphatase, biomineralization associated; plus strand). Cytogenetic location: 1p36.12.
Variant type: single nucleotide variant.
Coding change: c.1024G>A on transcript NM_000478.6 (MANE Select); coding-DNA position 1024, G replaced by A.
Protein change: p.Glu342Lys; replaces glutamic acid 342 with lysine.
Molecular consequence: missense variant.
Genome position (GRCh38, 1-based): chr1:21,575,759, G>A. VCF-style: chr1-21575759-G-A. GRCh37 (hg19) VCF-style: chr1-21902252-G-A.
Other names: c.859G>A, p.Glu287Lys (NM_001127501.4); c.793G>A, p.Glu265Lys (NM_001177520.3); c.1024G>A, p.Glu342Lys (NM_001369803.2, NM_001369804.2, NM_001369805.2); short protein forms E265K, E287K, E342K.
Identifiers: ClinVar variation 2691623 (VCV002691623.1), dbSNP rs2545342041, ClinGen allele CA338881024.

ClinVar aggregate classification (germline): Uncertain significance (1 of 4 stars; one submission).

Submission:

Women's Health and Genetics/Laboratory Corporation of America, LabCorp
Classification: Uncertain significance. Last evaluated: 2023-12-12. Review status: criteria provided, single submitter. Criteria: LabCorp Variant Classification Summary - May 2015. Collection method: clinical testing. Allele origin: germline.
Comment: Variant summary: ALPL c.1024G>A (p.Glu342Lys) results in a conservative amino acid change in the encoded protein sequence. Three of five in-silico tools predict a damaging effect of the variant on protein function. The variant was absent in 251358 control chromosomes (gnomAD). The available data on variant occurrences in the general population are insufficient to allow any conclusion about variant significance. To our knowledge, no occurrence of c.1024G>A in individuals affected with Hypophosphatasia and no experimental evidence demonstrating its impact on protein function have been reported. No submitters have cited clinical-significance assessments for this variant to ClinVar after 2014. Based on the evidence outlined above, the variant was classified as uncertain significance.